The following is an entry in ClinVar:

NM_005585.5(SMAD6):c.1359C>T (p.Asp453=)

Gene: SMAD6 (SMAD family member 6; plus strand). Cytogenetic location: 15q22.31.
Variant type: single nucleotide variant.
Coding change: c.1359C>T on transcript NM_005585.5 (MANE Select); coding-DNA position 1359, C replaced by T.
Protein change: p.Asp453=; no amino-acid change (aspartic acid 453 retained).
Molecular consequence: synonymous variant. On other transcripts: non-coding transcript variant (1).
Genome position (GRCh38, 1-based): chr15:66,781,403, C>T. VCF-style: chr15-66781403-C-T. GRCh37 (hg19) VCF-style: chr15-67073741-C-T.
Other names: p.Asp453=.
Identifiers: ClinVar variation 539118 (VCV000539118.17), dbSNP rs368834798, ClinGen allele CA7626800.
Genomic context (GRCh38, chr15:66,781,403, plus strand): 5'-CTACTCCATCAAGGTGTTCGACTTCGAGCGCTCGGGCCTGCAGCACGCGCCCGAGCCCGA[C>T]GCCGCCGACGGCCCCTACGACCCCAACAGCGTCCGCATCAGCTTCGCCAAGGGCTGGGGG-3'
Protein context (NP_005576.3, residues 443-463): RSGLQHAPEP[Asp453=]AADGPYDPNS

ClinVar aggregate classification (germline): Benign/Likely benign. Review status: criteria provided, multiple submitters, no conflicts (2 of 4 stars). 6 submissions from 6 submitters: Benign (3); Likely benign (2). 1 of the submissions does not count toward it. Last evaluated 2025-12-16.

Conditions:
SMAD6-related disease. Also called: SMAD6-related condition; SMAD6-related disorder. Identifiers: MedGen CN381596, MONDO:0700324.
Inborn genetic diseases. Identifiers: MedGen C0950123, MeSH D030342.
Aortic valve disease 2 (AOVD2). Identifiers: MedGen C3542024, MONDO:0013902, OMIM 614823.

Allele frequency attached by ClinVar (database versions not stated): 1000 Genomes Project 30x 0.00187; 1000 Genomes Project 0.00200; ExAC 0.00038; ESP Exome Variant Server 0.00134; TOPMed 0.00140; gnomAD 0.00146 and 0.00154.
gnomAD v4.1: 464 of 1,603,158 alleles (0.029%); highest among the groups gnomAD compares: African/African-American, 0.58%; 4 homozygotes.

Submissions (6):

Labcorp Genetics (formerly Invitae), Labcorp
Classification: Benign for Aortic valve disease 2. Last evaluated: 2025-12-16. Review status: criteria provided, single submitter. Criteria: Invitae Variant Classification Sherloc (09022015). Collection method: clinical testing. Allele origin: germline.

Mayo Clinic Laboratories, Mayo Clinic
Classification: Likely benign. Last evaluated: 2025-02-14. Review status: criteria provided, single submitter. Criteria: ACMG Guidelines, 2015. Collection method: clinical testing. Allele origin: germline. Observed: 1 variant allele.
Comment: BS1, BP4, BP7

Women's Health and Genetics/Laboratory Corporation of America, LabCorp
Classification: Benign. Last evaluated: 2023-07-21. Review status: criteria provided, single submitter. Criteria: LabCorp Variant Classification Summary - May 2015. Collection method: clinical testing. Allele origin: germline.

Ambry Genetics
Classification: Likely benign for Inborn genetic diseases. Last evaluated: 2022-03-03. Review status: criteria provided, single submitter. Criteria: Ambry Variant Classification Scheme 2023. Collection method: clinical testing. Allele origin: germline.

Breakthrough Genomics
Classification: Benign. Review status: criteria provided, single submitter. Criteria: ACMG Guidelines, 2015. Collection method: not provided. Allele origin: germline. Inheritance: Autosomal dominant inheritance. Affected: yes.

PreventionGenetics, part of Exact Sciences
Classification: Benign for SMAD6-related condition. Last evaluated: 2019-08-09. Review status: no assertion criteria provided. Collection method: clinical testing. Allele origin: germline. Not counted in ClinVar's aggregate classification.
Comment: This variant is classified as benign based on ACMG/AMP sequence variant interpretation guidelines (Richards et al. 2015 PMID: 25741868, with internal and published modifications).